The following is an entry in ClinVar:

ClinVar aggregate classification (germline): Benign. Review status: criteria provided, multiple submitters, no conflicts (2 of 4 stars). 3 submissions from 3 submitters: Benign (3). Last evaluated 2021-07-01.

Conditions:
Familial dysautonomia. Also called: HSAN III; FD. Identifiers: Orphanet 1764, MedGen C0013364, MONDO:0009131, OMIM 223900. Disease mechanism: loss of function.

Allele frequency attached by ClinVar (database versions not stated): gnomAD exomes 0.29809; ESP Exome Variant Server 0.40670; gnomAD 0.41000 and 0.41736; TOPMed 0.42596; 1000 Genomes Project 0.44389; 1000 Genomes Project 30x 0.44925.
gnomAD v4.1: 388,067 of 1,242,842 alleles (31%); highest among the groups gnomAD compares: African/African-American, 69%; 68,175 homozygotes.

Submissions (3):

Genome-Nilou Lab
Classification: Benign for Familial dysautonomia. Last evaluated: 2021-07-01. Review status: criteria provided, single submitter. Criteria: ACMG Guidelines, 2015. Collection method: clinical testing. Allele origin: germline. Affected: no.

GeneDx
Classification: Benign. Last evaluated: 2018-06-19. Review status: criteria provided, single submitter. Criteria: GeneDx Variant Classification (06012015). Collection method: clinical testing. Allele origin: germline. Affected: yes.
Comment: This variant is considered likely benign or benign based on one or more of the following criteria: it is a conservative change, it occurs at a poorly conserved position in the protein, it is predicted to be benign by multiple in silico algorithms, and/or has population frequency not consistent with disease.

Breakthrough Genomics
Classification: Benign. Review status: criteria provided, single submitter. Criteria: ACMG Guidelines, 2015. Collection method: not provided. Allele origin: germline. Inheritance: Autosomal recessive inheritance. Affected: yes.

NM_003640.5(ELP1):c.3856-54C>A

Gene: ELP1 (elongator acetyltransferase complex subunit 1; minus strand). Cytogenetic location: 9q31.3.
Variant type: single nucleotide variant.
Coding change: c.3856-54C>A on transcript NM_003640.5 (MANE Select); 54 bases into the intron before coding-DNA position 3856, C replaced by A.
Molecular consequence: intron variant.
Genome position (GRCh38, 1-based): chr9:108,875,024, G>T on the plus strand (C>A on the coding strand, the complement: ELP1 is on the minus strand). VCF-style: chr9-108875024-G-T. GRCh37 (hg19) VCF-style: chr9-111637304-G-T.
Other names: c.3514-54C>A (NM_001318360.2); c.2809-54C>A (NM_001330749.2).
Identifiers: ClinVar variation 673446 (VCV000673446.5), dbSNP rs2027433, ClinGen allele CA15606766.